The following is an entry in ClinVar:

ClinVar aggregate classification (germline): Pathogenic (1 of 4 stars; one submission).

Conditions:
Combined immunodeficiency due to MALT1 deficiency. Also called: Immunodeficiency 12. Identifiers: Orphanet 397964, MedGen C3809583, MONDO:0014197, OMIM 615468.

Submission:

Labcorp Genetics (formerly Invitae), Labcorp
Classification: Pathogenic for Combined immunodeficiency due to MALT1 deficiency. Last evaluated: 2022-02-01. Review status: criteria provided, single submitter. Criteria: Invitae Variant Classification Sherloc (09022015). Collection method: clinical testing. Allele origin: germline.
Comment: For these reasons, this variant has been classified as Pathogenic. This variant has not been reported in the literature in individuals affected with MALT1-related conditions. This variant is not present in population databases (gnomAD no frequency). This sequence change creates a premature translational stop signal (p.Gln502*) in the MALT1 gene. It is expected to result in an absent or disrupted protein product. Loss-of-function variants in MALT1 are known to be pathogenic (PMID: 23727036, 25627829).

Literature cited by the submitters: PubMed 23727036; PubMed 25627829.

NM_006785.4(MALT1):c.1504C>T (p.Gln502Ter)

Gene: MALT1 (MALT1 paracaspase; plus strand). Cytogenetic location: 18q21.32.
Variant type: single nucleotide variant.
Coding change: c.1504C>T on transcript NM_006785.4 (MANE Select); coding-DNA position 1504, C replaced by T.
Protein change: p.Gln502Ter; replaces glutamine 502 with a stop codon.
Molecular consequence: nonsense.
Genome position (GRCh38, 1-based): chr18:58,735,230, C>T. VCF-style: chr18-58735230-C-T. GRCh37 (hg19) VCF-style: chr18-56402462-C-T.
Other names: c.1471C>T, p.Gln491Ter (NM_173844.3); short protein forms Q491*, Q502*.
Identifiers: ClinVar variation 2091535 (VCV002091535.4), dbSNP rs2511556441, ClinGen allele CA402575120.